The following is an entry in ClinVar:

ClinVar aggregate classification (germline): Uncertain significance (1 of 4 stars; one submission).

Conditions:
Charcot-Marie-Tooth disease dominant intermediate C (CMTDIC). Also called: CHARCOT-MARIE-TOOTH NEUROPATHY, DOMINANT INTERMEDIATE C. Identifiers: Orphanet 100045, MedGen C1842237, MONDO:0012012, OMIM 608323.

Submission:

Labcorp Genetics (formerly Invitae), Labcorp
Classification: Uncertain significance for Charcot-Marie-Tooth disease dominant intermediate C. Last evaluated: 2023-02-23. Review status: criteria provided, single submitter. Criteria: Invitae Variant Classification Sherloc (09022015). Collection method: clinical testing. Allele origin: germline.
Comment: This variant is not present in population databases (gnomAD no frequency). This sequence change replaces aspartic acid, which is acidic and polar, with valine, which is neutral and non-polar, at codon 132 of the YARS protein (p.Asp132Val). This variant has not been reported in the literature in individuals affected with YARS-related conditions. ClinVar contains an entry for this variant (Variation ID: 1681529). Advanced modeling of protein sequence and biophysical properties (such as structural, functional, and spatial information, amino acid conservation, physicochemical variation, residue mobility, and thermodynamic stability) performed at Invitae indicates that this missense variant is expected to disrupt YARS protein function. In summary, the available evidence is currently insufficient to determine the role of this variant in disease. Therefore, it has been classified as a Variant of Uncertain Significance.

NM_003680.4(YARS1):c.395A>T (p.Asp132Val)

Gene: YARS1 (tyrosyl-tRNA synthetase 1; minus strand). Cytogenetic location: 1p35.1.
Variant type: single nucleotide variant.
Coding change: c.395A>T on transcript NM_003680.4 (MANE Select); coding-DNA position 395, A replaced by T.
Protein change: p.Asp132Val; replaces aspartic acid 132 with valine.
Molecular consequence: missense variant.
Genome position (GRCh38, 1-based): chr1:32,806,597, T>A on the plus strand (A>T on the coding strand, the complement: YARS1 is on the minus strand). VCF-style: chr1-32806597-T-A. GRCh37 (hg19) VCF-style: chr1-33272198-T-A.
Other names: short protein forms D132V.
Identifiers: ClinVar variation 1681529 (VCV001681529.6), dbSNP rs2148614994, ClinGen allele CA339686945.